The following is an entry in ClinVar:

NM_000553.6(WRN):c.4111A>G (p.Lys1371Glu)

Gene: WRN (WRN RecQ like helicase; plus strand). Cytogenetic location: 8p12.
Variant type: single nucleotide variant.
Coding change: c.4111A>G on transcript NM_000553.6 (MANE Select); coding-DNA position 4111, A replaced by G.
Protein change: p.Lys1371Glu; replaces lysine 1371 with glutamic acid.
Molecular consequence: missense variant.
Genome position (GRCh38, 1-based): chr8:31,167,150, A>G. VCF-style: chr8-31167150-A-G. GRCh37 (hg19) VCF-style: chr8-31024666-A-G.
Other names: short protein forms K1371E.
Identifiers: ClinVar variation 1525488 (VCV001525488.6), dbSNP rs774007667, ClinGen allele CA370909612.

ClinVar aggregate classification (germline): Uncertain significance (1 of 4 stars; one submission).

Conditions:
Werner syndrome (WRN). Identifiers: Orphanet 902, MedGen C0043119, MONDO:0010196, OMIM 277700.

Submission:

Labcorp Genetics (formerly Invitae), Labcorp
Classification: Uncertain significance for Werner syndrome. Last evaluated: 2023-01-26. Review status: criteria provided, single submitter. Criteria: Invitae Variant Classification Sherloc (09022015). Collection method: clinical testing. Allele origin: germline.
Comment: This variant has not been reported in the literature in individuals affected with WRN-related conditions. This variant is not present in population databases (gnomAD no frequency). This sequence change replaces lysine, which is basic and polar, with glutamic acid, which is acidic and polar, at codon 1371 of the WRN protein (p.Lys1371Glu). ClinVar contains an entry for this variant (Variation ID: 1525488). In summary, the available evidence is currently insufficient to determine the role of this variant in disease. Therefore, it has been classified as a Variant of Uncertain Significance. An algorithm developed to predict the effect of missense changes on protein structure and function (PolyPhen-2) suggests that this variant is likely to be tolerated.